The following is an entry in ClinVar:

ClinVar aggregate classification (germline): Uncertain significance (1 of 4 stars; one submission).

Conditions:
Hereditary cancer-predisposing syndrome. Also called: Hereditary neoplastic syndrome; Neoplastic Syndromes, Hereditary; Tumor predisposition; Hereditary Cancer Syndrome. Identifiers: Orphanet 140162, MedGen C0027672, MeSH D009386, MONDO:0015356.

Submission:

Ambry Genetics
Classification: Uncertain significance for Hereditary cancer-predisposing syndrome. Last evaluated: 2025-09-08. Review status: criteria provided, single submitter. Criteria: Ambry Variant Classification Scheme 2023. Collection method: clinical testing. Allele origin: germline.
Comment: The c.-4T>C variant is located in the 5' untranslated region (5&rsquo; UTR) of the PHOX2B gene. This variant results from a T to C substitution 4 bases upstream from the first translated codon. This nucleotide position is well conserved in available vertebrate species. Based on the available evidence, the clinical significance of this variant remains unclear.

NM_003924.4(PHOX2B):c.-4T>C

Genes: PHOX2B (paired like homeobox 2B; minus strand), PHOX2B-AS1 (PHOX2B antisense RNA 1; plus strand). Cytogenetic location: 4p13.
Variant type: single nucleotide variant.
Coding change: c.-4T>C on transcript NM_003924.4 (MANE Select); 4 bases upstream of the start codon, T replaced by C.
Molecular consequence: 5 prime UTR variant.
Genome position (GRCh38, 1-based): chr4:41,748,614, A>G on the plus strand (T>C on the coding strand, the complement: PHOX2B is on the minus strand). VCF-style: chr4-41748614-A-G. GRCh37 (hg19) VCF-style: chr4-41750631-A-G.
Identifiers: ClinVar variation 4136078 (VCV004136078.1).